The following is an entry in ClinVar:

NM_025103.4(IFT74):c.1207-1G>A

Gene: IFT74 (intraflagellar transport 74; plus strand). Cytogenetic location: 9p21.2.
Variant type: single nucleotide variant.
Coding change: c.1207-1G>A on transcript NM_025103.4 (MANE Select); the canonical splice acceptor site of the intron before coding-DNA position 1207, G replaced by A.
Molecular consequence: splice acceptor variant.
Genome position (GRCh38, 1-based): chr9:27,048,147, G>A. VCF-style: chr9-27048147-G-A. GRCh37 (hg19) VCF-style: chr9-27048145-G-A.
Other names: c.1207-1G>A (NM_001099223.3, NM_001099222.3, NM_001349928.2).
Identifiers: ClinVar variation 2126501 (VCV002126501.4), dbSNP rs2489681238, ClinGen allele CA373125624.

ClinVar aggregate classification (germline): Likely pathogenic (1 of 4 stars; one submission).

Allele frequency attached by ClinVar (database versions not stated): gnomAD exomes below 0.00001.
gnomAD v4.1: 2 of 1,557,660 alleles (0.00013%); highest among the groups gnomAD compares: Non-Finnish European, 0.00017%; no homozygotes.

Submission:

Labcorp Genetics (formerly Invitae), Labcorp
Classification: Likely pathogenic. Last evaluated: 2022-04-15. Review status: criteria provided, single submitter. Criteria: Invitae Variant Classification Sherloc (09022015). Collection method: clinical testing. Allele origin: germline.
Comment: This sequence change affects an acceptor splice site in intron 15 of the IFT74 gene. It is expected to disrupt RNA splicing. Variants that disrupt the donor or acceptor splice site typically lead to a loss of protein function (PMID: 16199547), and loss-of-function variants in IFT74 are known to be pathogenic (PMID: 33531668). This variant is not present in population databases (gnomAD no frequency). This variant has not been reported in the literature in individuals affected with IFT74-related conditions. Algorithms developed to predict the effect of sequence changes on RNA splicing suggest that this variant may disrupt the consensus splice site. In summary, the currently available evidence indicates that the variant is pathogenic, but additional data are needed to prove that conclusively. Therefore, this variant has been classified as Likely Pathogenic.

Literature cited by the submitters: PubMed 16199547; PubMed 33531668.